The following is an entry in ClinVar:

ClinVar aggregate classification (germline): Uncertain significance (1 of 4 stars; one submission).

Submission:

Labcorp Genetics (formerly Invitae), Labcorp
Classification: Uncertain significance. Last evaluated: 2020-07-22. Review status: criteria provided, single submitter. Criteria: Invitae Variant Classification Sherloc (09022015). Collection method: clinical testing. Allele origin: germline.
Comment: In summary, the available evidence is currently insufficient to determine the role of this variant in disease. Therefore, it has been classified as a Variant of Uncertain Significance. Algorithms developed to predict the effect of missense changes on protein structure and function are either unavailable or do not agree on the potential impact of this missense change (SIFT: "Deleterious"; PolyPhen-2: "Benign"; Align-GVGD: "Class C0"). This variant has not been reported in the literature in individuals with TRPM1-related conditions. This variant is not present in population databases (ExAC no frequency). This sequence change replaces glutamic acid with glycine at codon 1427 of the TRPM1 protein (p.Glu1427Gly). The glutamic acid residue is moderately conserved and there is a moderate physicochemical difference between glutamic acid and glycine.

NM_001252024.2(TRPM1):c.4346A>G (p.Glu1449Gly)

Gene: TRPM1 (transient receptor potential cation channel subfamily M member 1; minus strand). Cytogenetic location: 15q13.3.
Variant type: single nucleotide variant.
Coding change: c.4346A>G on transcript NM_001252024.2 (MANE Select); coding-DNA position 4346, A replaced by G.
Protein change: p.Glu1449Gly; replaces glutamic acid 1449 with glycine.
Molecular consequence: missense variant.
Genome position (GRCh38, 1-based): chr15:31,002,354, T>C on the plus strand (A>G on the coding strand, the complement: TRPM1 is on the minus strand). VCF-style: chr15-31002354-T-C. GRCh37 (hg19) VCF-style: chr15-31294557-T-C.
Other names: c.4397A>G, p.Glu1466Gly (NM_001252020.2); c.4280A>G, p.Glu1427Gly (NM_002420.6); short protein forms E1427G, E1449G, E1466G.
Identifiers: ClinVar variation 1017503 (VCV001017503.8), dbSNP rs2031808060, ClinGen allele CA391525378.
Genomic context (GRCh38, chr15:31,002,354, plus strand): 5'-TTTCTTCCCCGGGAATAGACGAAGCTTCTGGACTTCATTGTTTTACAAGCATTGATCGTT[T>C]CATCGGGGAAATAGCGTGTAATTTTGGTTTCTTCCAGGGGATAGGAAATAGTGCCTTCTA-3'
Protein context (NP_001238953.1, residues 1439-1459): ETKITRYFPD[Glu1449Gly]TINACKTMKS